The following is an entry in ClinVar:

ClinVar aggregate classification (germline): Uncertain significance. Review status: criteria provided, multiple submitters, no conflicts (2 of 4 stars). 4 submissions from 4 submitters: Uncertain significance (4). Last evaluated 2025-12-19.

Conditions:
Ullrich congenital muscular dystrophy 2 (UCMD2). Identifiers: Orphanet 75840, MedGen C4225314, MONDO:0014654, OMIM 616470.
Bethlem myopathy 2 (BTHLM2). Identifiers: Orphanet 536516, Orphanet 610, MedGen C4225313, MONDO:0034022, OMIM 616471.
Inborn genetic diseases. Identifiers: MedGen C0950123, MeSH D030342.

Allele frequency attached by ClinVar (database versions not stated): gnomAD 0.00001; TOPMed 0.00001; ExAC 0.00002; gnomAD exomes 0.00002; ESP Exome Variant Server 0.00008.
gnomAD v4.1: 24 of 1,614,054 alleles (0.0015%); highest among the groups gnomAD compares: Non-Finnish European, 0.0019%; no homozygotes.

Submissions (4):

Labcorp Genetics (formerly Invitae), Labcorp
Classification: Uncertain significance for Bethlem myopathy 2; Ullrich congenital muscular dystrophy 2. Last evaluated: 2025-12-19. Review status: criteria provided, single submitter. Criteria: Invitae Variant Classification Sherloc (09022015). Collection method: clinical testing. Allele origin: germline.
Comment: This sequence change replaces alanine, which is neutral and non-polar, with glycine, which is neutral and non-polar, at codon 2814 of the COL12A1 protein (p.Ala2814Gly). This variant is present in population databases (rs368105517, gnomAD 0.006%). This variant has not been reported in the literature in individuals affected with COL12A1-related conditions. ClinVar contains an entry for this variant (Variation ID: 840608). An algorithm developed to predict the effect of missense changes on protein structure and function (PolyPhen-2) suggests that this variant is likely to be disruptive. In summary, the available evidence is currently insufficient to determine the role of this variant in disease. Therefore, it has been classified as a Variant of Uncertain Significance.

Ambry Genetics
Classification: Uncertain significance for Inborn genetic diseases. Last evaluated: 2025-06-18. Review status: criteria provided, single submitter. Criteria: Ambry Variant Classification Scheme 2023. Collection method: clinical testing. Allele origin: germline.

Blueprint Genetics
Classification: Uncertain significance. Last evaluated: 2023-05-23. Review status: criteria provided, single submitter. Criteria: ACMG Guidelines, 2015. Collection method: clinical testing. Allele origin: germline.

GeneDx
Classification: Uncertain significance. Last evaluated: 2022-05-13. Review status: criteria provided, single submitter. Criteria: GeneDx Variant Classification Process June 2021. Collection method: clinical testing. Allele origin: germline. Affected: yes.
Comment: Has not been previously published as pathogenic or benign to our knowledge; In silico analysis supports that this missense variant does not alter protein structure/function

NM_004370.6(COL12A1):c.8441C>G (p.Ala2814Gly)

Gene: COL12A1 (collagen type XII alpha 1 chain; minus strand). Cytogenetic location: 6q13.
Variant type: single nucleotide variant.
Coding change: c.8441C>G on transcript NM_004370.6 (MANE Select); coding-DNA position 8441, C replaced by G.
Protein change: p.Ala2814Gly; replaces alanine 2814 with glycine.
Molecular consequence: missense variant.
Genome position (GRCh38, 1-based): chr6:75,102,027, G>C on the plus strand (C>G on the coding strand, the complement: COL12A1 is on the minus strand). VCF-style: chr6-75102027-G-C. GRCh37 (hg19) VCF-style: chr6-75811743-G-C.
Other names: c.4949C>G, p.Ala1650Gly (NM_080645.3); short protein forms A1650G, A2814G.
Identifiers: ClinVar variation 840608 (VCV000840608.12), dbSNP rs368105517, ClinGen allele CA3892266.